The following is an entry in ClinVar:

ClinVar aggregate classification (germline): Likely benign (1 of 4 stars; one submission).

Conditions:
NBAS-related disorder. Also called: NBAS-related condition.

gnomAD v4.1: 22 of 152,182 alleles (0.014%); highest among the groups gnomAD compares: Admixed American, 0.13%; no homozygotes.

Submission:

PreventionGenetics, part of Exact Sciences
Classification: Likely benign for NBAS-related condition. Last evaluated: 2026-06-02. Review status: criteria provided, single submitter. Criteria: ACMG Guidelines, 2015. Collection method: clinical testing. Allele origin: germline.
Comment: This variant is classified as likely benign based on ACMG/AMP sequence variant interpretation guidelines (Richards et al. 2015 PMID: 25741868, with internal and published modifications).

NM_015909.4(NBAS):c.2423+405G>A

Gene: NBAS (NBAS subunit of NRZ tethering complex; minus strand). Cytogenetic location: 2p24.3.
Variant type: single nucleotide variant.
Coding change: c.2423+405G>A on transcript NM_015909.4 (MANE Select); 405 bases into the intron after coding-DNA position 2423, G replaced by A.
Molecular consequence: intron variant.
Genome position (GRCh38, 1-based): chr2:15,427,306, C>T on the plus strand (G>A on the coding strand, the complement: NBAS is on the minus strand). VCF-style: chr2-15427306-C-T. GRCh37 (hg19) VCF-style: chr2-15567430-C-T.
Identifiers: ClinVar variation 4990605 (VCV004990605.1).